The following is an entry in ClinVar:

NM_004820.5(CYP7B1):c.1355G>A (p.Arg452Gln)

Gene: CYP7B1 (cytochrome P450 family 7 subfamily B member 1; minus strand). Cytogenetic location: 8q12.3.
Variant type: single nucleotide variant.
Coding change: c.1355G>A on transcript NM_004820.5 (MANE Select); coding-DNA position 1355, G replaced by A.
Protein change: p.Arg452Gln; replaces arginine 452 with glutamine.
Molecular consequence: missense variant. On other transcripts: intron variant (1).
Genome position (GRCh38, 1-based): chr8:64,596,808, C>T on the plus strand (G>A on the coding strand, the complement: CYP7B1 is on the minus strand). VCF-style: chr8-64596808-C-T. GRCh37 (hg19) VCF-style: chr8-65509365-C-T.
Other names: c.1234-6964G>A (NM_001324112.2); short protein forms R452Q.
Identifiers: ClinVar variation 458229 (VCV000458229.7), dbSNP rs775806979, ClinGen allele CA4763993.

ClinVar aggregate classification (germline): Uncertain significance. Review status: criteria provided, multiple submitters, no conflicts (2 of 4 stars). 2 submissions from 2 submitters: Uncertain significance (2). Last evaluated 2022-08-31.

Conditions:
Spastic paraplegia. Identifiers: MedGen C0037772, HP:0001258.

Allele frequency attached by ClinVar (database versions not stated): gnomAD 0.00001; gnomAD exomes 0.00001; ExAC 0.00002.
gnomAD v4.1: 12 of 1,613,918 alleles (0.00074%); highest among the groups gnomAD compares: South Asian, 0.0044%; no homozygotes.

Submissions (2):

Labcorp Genetics (formerly Invitae), Labcorp
Classification: Uncertain significance for Spastic paraplegia. Last evaluated: 2022-08-31. Review status: criteria provided, single submitter. Criteria: Invitae Variant Classification Sherloc (09022015). Collection method: clinical testing. Allele origin: germline.
Comment: This sequence change replaces arginine, which is basic and polar, with glutamine, which is neutral and polar, at codon 452 of the CYP7B1 protein (p.Arg452Gln). The frequency data for this variant in the population databases is considered unreliable, as metrics indicate poor data quality at this position in the gnomAD database. This variant has not been reported in the literature in individuals affected with CYP7B1-related conditions. ClinVar contains an entry for this variant (Variation ID: 458229). Algorithms developed to predict the effect of missense changes on protein structure and function are either unavailable or do not agree on the potential impact of this missense change (SIFT: "Deleterious"; PolyPhen-2: "Probably Damaging"; Align-GVGD: "Class C0"). In summary, the available evidence is currently insufficient to determine the role of this variant in disease. Therefore, it has been classified as a Variant of Uncertain Significance.

Paris Brain Institute, Inserm - ICM
Classification: Uncertain significance for Spastic paraplegia. Review status: criteria provided, single submitter. Criteria: ACMG Guidelines, 2015. Collection method: clinical testing. Allele origin: unknown. Affected: yes. Observed: 1 variant allele.